The following is an entry in ClinVar:

NC_012920.1(MT-ND1):m.3397A>G

Gene: MT-ND1 (mitochondrially encoded NADH dehydrogenase 1; plus strand).
Variant type: single nucleotide variant.
Genome position: chrM-3397-A-G.
Identifiers: ClinVar variation 9726 (VCV000009726.4), dbSNP rs199476120, ClinGen allele CA254859.

ClinVar aggregate classification (germline): Benign. Review status: criteria provided, single submitter (1 of 4 stars). 4 submissions from 3 submitters: Benign (1). 3 of the submissions do not count toward it. Last evaluated 2019-10-17.

Conditions:
Parkinson disease, late-onset (PD). Also called: Hereditary late onset Parkinson disease; Susceptibility to Parkinson's Disease; PARKINSON DISEASE, LATE-ONSET, SUSCEPTIBILITY TO. Identifiers: Orphanet 411602, MedGen C3160718, MONDO:0008199, OMIM 168600.
Leigh syndrome (NULS). Also called: Subacute necrotizing encephalopathy; Necrotizing encephalopathy infantile subacute of Leigh; Leigh Syndrome (mtDNA deletion); Leigh Disease; Leigh's syndrome; LEIGH SYNDROME, NUCLEAR. Identifiers: Orphanet 506, MedGen C2931891, MONDO:0009723, OMIM 256000.
Type 2 diabetes mellitus. Also called: Type II diabetes mellitus. Identifiers: MedGen C0011860, MeSH D003924, MONDO:0005148, OMIM 125853, HP:0005978.
Alzheimer disease. Also called: Alzheimer's disease; Presenile and senile dementia. Identifiers: Orphanet 1020, MedGen C0002395, MeSH D000544, MONDO:0004975, HP:0002511.

Submissions (4):

Wong Mito Lab, Molecular and Human Genetics, Baylor College of Medicine
Classification: Benign for Leigh syndrome. Last evaluated: 2019-10-17. Review status: criteria provided, single submitter. Criteria: Modified ACMG Guidelines (Unpublished). Collection method: clinical testing. Allele origin: germline.
Comment: The NC_012920.1:m.3397A>G (YP_003024026.1:p.Met31Val) variant in MTND1 gene is interpretated to be a Benign variant based on the modified ACMG guidelines (unpublished). This variant meets the following evidence codes: BS1, BS2, BP4

Gene Friend Way, National Innovation Center
Classification: Uncertain significance for Type 2 diabetes mellitus. Last evaluated: 2025-01-01. Review status: no assertion criteria provided. Collection method: clinical testing. Allele origin: unknown. Affected: yes. Observed: 1 variant allele. Not counted in ClinVar's aggregate classification.
Comment: Mutations in MT-ND1 are associated with various mitochondrial disorders, some of which include diabetes mellitus as a prominent feature: impaired ATP production affects insulin secretion from pancreatic β-cells, contribute to β-cell apoptosis and peripheral insulin resistance (PMID: 40862129). MT-ND1 m.3316G>A and m.3394T>C are significantly linked to type 2 diabetes (PMID: 39835172; 15265369).

OMIM
Classification: Pathogenic for ALZHEIMER DISEASE. Last evaluated: 1993-07-01. Review status: no assertion criteria provided. Collection method: literature only. Allele origin: germline. Not counted in ClinVar's aggregate classification.

OMIM
Classification: Pathogenic for PARKINSON DISEASE. Last evaluated: 1993-07-01. Review status: no assertion criteria provided. Collection method: literature only. Allele origin: germline. Not counted in ClinVar's aggregate classification.

Literature cited by the submitters: PubMed 15972314 (cited by Wong Mito Lab, Molecular and Human Genetics, Baylor College of Medicine); PubMed 40862129 (cited by Gene Friend Way, National Innovation Center); PubMed 39835172 (cited by Gene Friend Way, National Innovation Center); PubMed 15265369 (cited by Gene Friend Way, National Innovation Center); PubMed 8104867 (cited by OMIM).